The following is an entry in ClinVar:

ClinVar aggregate classification (germline): Benign. Review status: criteria provided, multiple submitters, no conflicts (2 of 4 stars). 3 submissions from 3 submitters: Benign (2). 1 of the submissions does not count toward it. Last evaluated 2018-12-27.

Conditions:
KCNH7-related disorder. Also called: KCNH7-related condition.

Allele frequency attached by ClinVar (database versions not stated): gnomAD exomes 0.00197 and 0.00079; ExAC 0.00212; gnomAD 0.00661 and 0.00630; 1000 Genomes Project 0.00759; TOPMed 0.00768; ESP Exome Variant Server 0.00777; 1000 Genomes Project 30x 0.00687.
gnomAD v4.1: 2,217 of 1,612,260 alleles (0.14%); highest among the groups gnomAD compares: African/African-American, 2%; 22 homozygotes.

Submissions (3):

Labcorp Genetics (formerly Invitae), Labcorp
Classification: Benign. Last evaluated: 2018-12-27. Review status: criteria provided, single submitter. Criteria: Invitae Variant Classification Sherloc (09022015). Collection method: clinical testing. Allele origin: germline.

Breakthrough Genomics
Classification: Benign. Review status: criteria provided, single submitter. Criteria: ACMG Guidelines, 2015. Collection method: not provided. Allele origin: germline. Inheritance: Unknown mechanism. Affected: yes.

PreventionGenetics, part of Exact Sciences
Classification: Benign for KCNH7-related condition. Last evaluated: 2020-01-07. Review status: no assertion criteria provided. Collection method: clinical testing. Allele origin: germline. Not counted in ClinVar's aggregate classification.
Comment: This variant is classified as benign based on ACMG/AMP sequence variant interpretation guidelines (Richards et al. 2015 PMID: 25741868, with internal and published modifications).

NM_033272.4(KCNH7):c.696C>T (p.Ser232=)

Gene: KCNH7 (potassium voltage-gated channel subfamily H member 7; minus strand). Cytogenetic location: 2q24.2.
Variant type: single nucleotide variant.
Coding change: c.696C>T on transcript NM_033272.4 (MANE Select); coding-DNA position 696, C replaced by T.
Protein change: p.Ser232=; no amino-acid change (serine 232 retained).
Molecular consequence: synonymous variant.
Genome position (GRCh38, 1-based): chr2:162,517,926, G>A on the plus strand (C>T on the coding strand, the complement: KCNH7 is on the minus strand). VCF-style: chr2-162517926-G-A. GRCh37 (hg19) VCF-style: chr2-163374436-G-A.
Other names: c.696C>T, p.Ser232= (NM_173162.3).
Identifiers: ClinVar variation 781821 (VCV000781821.6), dbSNP rs148927325, ClinGen allele CA1935862.